The following is an entry in ClinVar:

NM_182760.4(SUMF1):c.20G>A (p.Gly7Glu)

Gene: SUMF1 (sulfatase modifying factor 1; minus strand). Cytogenetic location: 3p26.1.
Variant type: single nucleotide variant.
Coding change: c.20G>A on transcript NM_182760.4 (MANE Select); coding-DNA position 20, G replaced by A.
Protein change: p.Gly7Glu; replaces glycine 7 with glutamic acid.
Molecular consequence: missense variant.
Genome position (GRCh38, 1-based): chr3:4,467,226, C>T on the plus strand (G>A on the coding strand, the complement: SUMF1 is on the minus strand). VCF-style: chr3-4467226-C-T. GRCh37 (hg19) VCF-style: chr3-4508910-C-T.
Other names: c.20G>A, p.Gly7Glu (NM_001164674.2, NM_001164675.2); short protein forms G7E.
Identifiers: ClinVar variation 2149265 (VCV002149265.1), dbSNP rs903839326, ClinGen allele CA351794717.

ClinVar aggregate classification (germline): Uncertain significance (1 of 4 stars; one submission).

Conditions:
Multiple sulfatase deficiency (MSD). Also called: Multiple Sulfatase Deficiency Disease; Sulfatidosis, Juvenile, Austin Type; Mucosulfatidosis. Identifiers: Orphanet 585, MedGen C0268263, MONDO:0010088, OMIM 272200.

Allele frequency attached by ClinVar (database versions not stated): TOPMed 0.00002.
gnomAD v4.1: 8 of 1,610,968 alleles (0.0005%); highest among the groups gnomAD compares: Middle Eastern, 0.017%; no homozygotes.

Submission:

Labcorp Genetics (formerly Invitae), Labcorp
Classification: Uncertain significance for Multiple sulfatase deficiency. Last evaluated: 2022-06-04. Review status: criteria provided, single submitter. Criteria: Invitae Variant Classification Sherloc (09022015). Collection method: clinical testing. Allele origin: germline.
Comment: This sequence change replaces glycine, which is neutral and non-polar, with glutamic acid, which is acidic and polar, at codon 7 of the SUMF1 protein (p.Gly7Glu). This variant is present in population databases (no rsID available, gnomAD 0.009%). This variant has not been reported in the literature in individuals affected with SUMF1-related conditions. Algorithms developed to predict the effect of missense changes on protein structure and function output the following: SIFT: "Tolerated"; PolyPhen-2: "Benign"; Align-GVGD: "Class C0". The glutamic acid amino acid residue is found in multiple mammalian species, which suggests that this missense change does not adversely affect protein function. In summary, the available evidence is currently insufficient to determine the role of this variant in disease. Therefore, it has been classified as a Variant of Uncertain Significance.